The following is an entry in ClinVar:

ClinVar aggregate classification (germline): Likely pathogenic (1 of 4 stars; one submission).

Submission:

Labcorp Genetics (formerly Invitae), Labcorp
Classification: Likely pathogenic. Last evaluated: 2025-10-01. Review status: criteria provided, single submitter. Criteria: Invitae Variant Classification Sherloc (09022015). Collection method: clinical testing. Allele origin: germline.
Comment: This sequence change creates a premature translational stop signal (p.Gly73Cysfs*109) in the NKX6-2 gene. While this is not anticipated to result in nonsense mediated decay, it is expected to disrupt the last 205 amino acid(s) of the NKX6-2 protein. This variant is not present in population databases (gnomAD no frequency). This variant has not been reported in the literature in individuals affected with NKX6-2-related conditions. ClinVar contains an entry for this variant (Variation ID: 2844277). This variant disrupts the C-terminus of the NKX6-2 protein. Other variant(s) that disrupt this region (p.Gly74Alafs*114, p.Gln197*, p.Trp203*) have been observed in individuals with NKX6-2-related conditions (PMID: 28969374, 29388673; internal data). This suggests that this may be a clinically significant region of the protein. In summary, the currently available evidence indicates that the variant is pathogenic, but additional data are needed to prove that conclusively. Therefore, this variant has been classified as Likely Pathogenic.

Literature cited by the submitters: PubMed 28969374; PubMed 29388673.

NM_177400.3(NKX6-2):c.217_235del (p.Gly73fs)

Gene: NKX6-2 (NK6 homeobox 2; minus strand). Cytogenetic location: 10q26.3.
Variant type: Deletion.
Coding change: c.217_235del on transcript NM_177400.3 (MANE Select); coding-DNA positions 217 to 235, 19 bases deleted (GGGGGCCTCCTGGGGGGGC).
Protein change: p.Gly73fs; shifts the reading frame from glycine 73.
Molecular consequence: frameshift variant.
Genome position (GRCh38, 1-based): chr10:132,785,714-132,785,732, GCCCCCCCAGGAGGCCCCC deleted on the plus strand (GGGGGCCTCCTGGGGGGGC on the coding strand, the reverse complement: NKX6-2 is on the minus strand); deleting any 19 consecutive bases within chr10:132,785,714-132,785,736 gives the same sequence; the c. name uses the placement nearest the transcript's 3' end. VCF-style (leftmost placement, unchanged base first): chr10-132785713-AGCCCCCCCAGGAGGCCCCC-A. GRCh37 (hg19) VCF-style: chr10-134599217-AGCCCCCCCAGGAGGCCCCC-A.
Other names: short protein forms G73fs.
Identifiers: ClinVar variation 2844277 (VCV002844277.3), dbSNP rs2493481557, ClinGen allele CA2739276064.